The following is an entry in ClinVar:

ClinVar aggregate classification (germline): Uncertain significance. Review status: criteria provided, multiple submitters, no conflicts (2 of 4 stars). 3 submissions from 3 submitters: Uncertain significance (3). Last evaluated 2024-12-21.

Conditions:
Marfan syndrome (MFS). Also called: Marfan syndrome type 1; Marfan's syndrome; MARFAN SYNDROME, TYPE I; Marfan syndrome, classic; FBN1-Related Marfan Syndrome. Identifiers: Orphanet 284963, Orphanet 558, MedGen C0024796, MONDO:0007947, OMIM 154700.
Familial thoracic aortic aneurysm and aortic dissection (TAAD). Also called: Thoracic aortic aneurysms and dissections. Identifiers: Orphanet 91387, MedGen C4707243, MONDO:0019625.

Allele frequency attached by ClinVar (database versions not stated): gnomAD exomes below 0.00001; TOPMed below 0.00001; gnomAD 0.00001.
gnomAD v4.1: 2 of 1,614,016 alleles (0.00012%); highest among the groups gnomAD compares: Non-Finnish European, 0.00017%; no homozygotes.

Submissions (3):

Labcorp Genetics (formerly Invitae), Labcorp
Classification: Uncertain significance for Marfan syndrome; Familial thoracic aortic aneurysm and aortic dissection. Last evaluated: 2024-12-21. Review status: criteria provided, single submitter. Criteria: Invitae Variant Classification Sherloc (09022015). Collection method: clinical testing. Allele origin: germline.
Comment: This sequence change replaces serine, which is neutral and polar, with glycine, which is neutral and non-polar, at codon 2353 of the FBN1 protein (p.Ser2353Gly). This variant is not present in population databases (gnomAD no frequency). This variant has not been reported in the literature in individuals affected with FBN1-related conditions. ClinVar contains an entry for this variant (Variation ID: 281609). Invitae Evidence Modeling of protein sequence and biophysical properties (such as structural, functional, and spatial information, amino acid conservation, physicochemical variation, residue mobility, and thermodynamic stability) has been performed for this missense variant. However, the output from this modeling did not meet the statistical confidence thresholds required to predict the impact of this variant on FBN1 protein function. In summary, the available evidence is currently insufficient to determine the role of this variant in disease. Therefore, it has been classified as a Variant of Uncertain Significance.

Color Diagnostics, LLC DBA Color Health
Classification: Uncertain significance for Familial thoracic aortic aneurysm and aortic dissection. Last evaluated: 2020-01-17. Review status: criteria provided, single submitter. Criteria: ACMG Guidelines, 2015. Collection method: clinical testing. Allele origin: germline.
Comment: This missense variant replaces serine with glycine at codon 2353 of the FBN1 protein. Computational prediction suggests that this variant may not impact protein structure and function (internally defined REVEL score threshold <= 0.5, PMID: 27666373). Splice site prediction tools suggest that this variant may not impact RNA splicing. To our knowledge, functional studies have not been performed for this variant. This variant has not been reported in individuals affected with cardiovascular disorders in the literature. This variant has not been identified in the general population by the Genome Aggregation Database (gnomAD). The available evidence is insufficient to determine the role of this variant in disease conclusively. Therefore, this variant is classified as a Variant of Uncertain Significance.

Eurofins Ntd Llc (ga)
Classification: Uncertain significance. Last evaluated: 2015-07-13. Review status: criteria provided, single submitter. Criteria: EGL Classification Definitions 2015. Collection method: clinical testing. Allele origin: germline. Observed: 1 variant allele, 1 heterozygote.

NM_000138.5(FBN1):c.7057A>G (p.Ser2353Gly)

Gene: FBN1 (fibrillin 1; minus strand). Cytogenetic location: 15q21.1.
Variant type: single nucleotide variant.
Coding change: c.7057A>G on transcript NM_000138.5 (MANE Select); coding-DNA position 7057, A replaced by G.
Protein change: p.Ser2353Gly; replaces serine 2353 with glycine.
Molecular consequence: missense variant.
Genome position (GRCh38, 1-based): chr15:48,427,714, T>C on the plus strand (A>G on the coding strand, the complement: FBN1 is on the minus strand). VCF-style: chr15-48427714-T-C. GRCh37 (hg19) VCF-style: chr15-48719911-T-C.
Other names: short protein forms S2353G.
Identifiers: ClinVar variation 281609 (VCV000281609.15), dbSNP rs886042199, ClinGen allele CA10603926.